The following is an entry in ClinVar:

ClinVar aggregate classification (germline): Uncertain significance (1 of 4 stars; one submission).

Conditions:
Inborn genetic diseases. Identifiers: MedGen C0950123, MeSH D030342.

Submission:

Ambry Genetics
Classification: Uncertain significance for Inborn genetic diseases. Last evaluated: 2025-10-14. Review status: criteria provided, single submitter. Criteria: Ambry Variant Classification Scheme 2023. Collection method: clinical testing. Allele origin: germline.
Comment: The c.41G>A (p.R14H) alteration is located in exon 4 (coding exon 1) of the TBL1X gene. This alteration results from a G to A substitution at nucleotide position 41, causing the arginine (R) at amino acid position 14 to be replaced by a histidine (H). Based on data from gnomAD, the A allele has an overall frequency of 0.003% (3/122001) total alleles studied. The highest observed frequency was 0.011% (1/8988) of East Asian alleles. Based on insufficient or conflicting evidence, the clinical significance of this alteration remains unclear.

NM_005647.4(TBL1X):c.41G>A (p.Arg14His)

Gene: TBL1X (transducin beta like 1 X-linked; plus strand). Cytogenetic location: Xp22.2.
Variant type: single nucleotide variant.
Coding change: c.41G>A on transcript NM_005647.4 (MANE Select); coding-DNA position 41, G replaced by A.
Protein change: p.Arg14His; replaces arginine 14 with histidine.
Molecular consequence: missense variant. On other transcripts: intron variant (2).
Genome position (GRCh38, 1-based): chrX:9,653,627, G>A. VCF-style: chrX-9653627-G-A. GRCh37 (hg19) VCF-style: chrX-9621667-G-A.
Other names: c.41G>A, p.Arg14His (NM_001139466.1); c.-50-588G>A (NM_001139468.1, NM_001139467.1); short protein forms R14H.
Identifiers: ClinVar variation 4632768 (VCV004632768.1).